The following is an entry in ClinVar:

NM_001032386.2(SUOX):c.874C>T (p.Arg292Cys)

Gene: SUOX (sulfite oxidase; plus strand). Cytogenetic location: 12q13.2.
Variant type: single nucleotide variant.
Coding change: c.874C>T on transcript NM_001032386.2 (MANE Select); coding-DNA position 874, C replaced by T.
Protein change: p.Arg292Cys; replaces arginine 292 with cysteine.
Molecular consequence: missense variant.
Genome position (GRCh38, 1-based): chr12:56,004,263, C>T. VCF-style: chr12-56004263-C-T. GRCh37 (hg19) VCF-style: chr12-56398047-C-T.
Other names: c.874C>T, p.Arg292Cys (NM_000456.3, NM_001032387.2); short protein forms R292C.
Identifiers: ClinVar variation 1064322 (VCV001064322.8), dbSNP rs752091812, ClinGen allele CA6621057.

ClinVar aggregate classification (germline): Uncertain significance (1 of 4 stars; one submission).

Conditions:
Sulfite oxidase deficiency. Also called: Isolated sulfite oxidase deficiency. Identifiers: Orphanet 833, Orphanet 99731, MedGen C0268624, MONDO:0010089, OMIM 272300, HP:0003643.

Allele frequency attached by ClinVar (database versions not stated): ExAC 0.00001; gnomAD 0.00001; gnomAD exomes 0.00001 and 0.00002; TOPMed 0.00001.

Submission:

Labcorp Genetics (formerly Invitae), Labcorp
Classification: Uncertain significance for Sulfite oxidase deficiency. Last evaluated: 2026-01-26. Review status: criteria provided, single submitter. Criteria: Invitae Variant Classification Sherloc (09022015). Collection method: clinical testing. Allele origin: germline.
Comment: This sequence change replaces arginine, which is basic and polar, with cysteine, which is neutral and slightly polar, at codon 292 of the SUOX protein (p.Arg292Cys). This variant is present in population databases (rs752091812, gnomAD 0.03%). This variant has not been reported in the literature in individuals affected with SUOX-related conditions. ClinVar contains an entry for this variant (Variation ID: 1064322). Invitae Evidence Modeling of protein sequence and biophysical properties (such as structural, functional, and spatial information, amino acid conservation, physicochemical variation, residue mobility, and thermodynamic stability) indicates that this missense variant is not expected to disrupt SUOX protein function with a negative predictive value of 95%. In summary, the available evidence is currently insufficient to determine the role of this variant in disease. Therefore, it has been classified as a Variant of Uncertain Significance.